The following is an entry in ClinVar:

ClinVar aggregate classification (germline): Uncertain significance. Review status: criteria provided, multiple submitters, no conflicts (2 of 4 stars). 2 submissions from 2 submitters: Uncertain significance (2). Last evaluated 2025-04-02.

Conditions:
Atypical hemolytic-uremic syndrome with C3 anomaly. Also called: AHUS, SUSCEPTIBILITY TO, 5. Identifiers: Orphanet 2134, MedGen C2752037, MONDO:0013043, OMIM 612925.
Age related macular degeneration 9. Identifiers: MedGen C1969651, MONDO:0012659, OMIM 611378.
Complement component 3 deficiency. Identifiers: Orphanet 280133, MedGen C3151071, MONDO:0013417, OMIM 613779.

gnomAD v4.1: 4 of 1,613,812 alleles (0.00025%); highest among the groups gnomAD compares: East Asian, 0.0089%; no homozygotes.

Submissions (2):

Labcorp Genetics (formerly Invitae), Labcorp
Classification: Uncertain significance. Last evaluated: 2025-04-02. Review status: criteria provided, single submitter. Criteria: Invitae Variant Classification Sherloc (09022015). Collection method: clinical testing. Allele origin: germline.
Comment: This sequence change replaces arginine, which is basic and polar, with histidine, which is basic and polar, at codon 712 of the C3 protein (p.Arg712His). This variant is present in population databases (rs773113880, gnomAD 0.01%). This variant has not been reported in the literature in individuals affected with C3-related conditions. ClinVar contains an entry for this variant (Variation ID: 3584139). Invitae Evidence Modeling of protein sequence and biophysical properties (such as structural, functional, and spatial information, amino acid conservation, physicochemical variation, residue mobility, and thermodynamic stability) indicates that this missense variant is not expected to disrupt C3 protein function with a negative predictive value of 80%. In summary, the available evidence is currently insufficient to determine the role of this variant in disease. Therefore, it has been classified as a Variant of Uncertain Significance.

Fulgent Genetics
Classification: Uncertain significance for Age related macular degeneration 9; Atypical hemolytic-uremic syndrome with C3 anomaly; Complement component 3 deficiency. Last evaluated: 2024-06-01. Review status: criteria provided, single submitter. Criteria: ACMG Guidelines, 2015. Collection method: clinical testing. Allele origin: germline.

NM_000064.4(C3):c.2135G>A (p.Arg712His)

Gene: C3 (complement C3; minus strand). Cytogenetic location: 19p13.3.
Variant type: single nucleotide variant.
Coding change: c.2135G>A on transcript NM_000064.4 (MANE Select); coding-DNA position 2135, G replaced by A.
Protein change: p.Arg712His; replaces arginine 712 with histidine.
Molecular consequence: missense variant.
Genome position (GRCh38, 1-based): chr19:6,707,186, C>T on the plus strand (G>A on the coding strand, the complement: C3 is on the minus strand). VCF-style: chr19-6707186-C-T. GRCh37 (hg19) VCF-style: chr19-6707197-C-T.
Other names: short protein forms R712H.
Identifiers: ClinVar variation 3584139 (VCV003584139.2).